The following is an entry in ClinVar:

ClinVar aggregate classification (germline): Uncertain significance (1 of 4 stars; one submission).

Submission:

GeneDx
Classification: Uncertain significance. Last evaluated: 2025-05-15. Review status: criteria provided, single submitter. Criteria: GeneDx Variant Classification Process June 2021. Collection method: clinical testing. Allele origin: germline. Affected: yes.
Comment: Not observed at significant frequency in large population cohorts (gnomAD); In silico analysis supports that this missense variant has a deleterious effect on protein structure/function; Has not been previously published as pathogenic or benign to our knowledge

NM_000844.4(GRM7):c.2382G>A (p.Met794Ile)

Gene: GRM7 (glutamate metabotropic receptor 7; plus strand). Cytogenetic location: 3p26.1.
Variant type: single nucleotide variant.
Coding change: c.2382G>A on transcript NM_000844.4 (MANE Select); coding-DNA position 2382, G replaced by A.
Protein change: p.Met794Ile; replaces methionine 794 with isoleucine.
Molecular consequence: missense variant.
Genome position (GRCh38, 1-based): chr3:7,579,288, G>A. VCF-style: chr3-7579288-G-A. GRCh37 (hg19) VCF-style: chr3-7620975-G-A.
Other names: c.2382G>A, p.Met794Ile (NM_181874.3); short protein forms M794I.
Identifiers: ClinVar variation 4529995 (VCV004529995.1).